The following is an entry in ClinVar:

ClinVar aggregate classification (germline): Uncertain significance (1 of 4 stars; one submission).

Conditions:
MEGF8-related Carpenter syndrome. Also called: Carpenter syndrome 2. Identifiers: Orphanet 65759, MedGen C3554247, MONDO:0013998, OMIM 614976.

gnomAD v4.1: 31 of 1,590,752 alleles (0.0019%); highest among the groups gnomAD compares: Admixed American, 0.0051%; no homozygotes.

Submission:

Labcorp Genetics (formerly Invitae), Labcorp
Classification: Uncertain significance for MEGF8-related Carpenter syndrome. Last evaluated: 2025-11-02. Review status: criteria provided, single submitter. Criteria: Invitae Variant Classification Sherloc (09022015). Collection method: clinical testing. Allele origin: germline.
Comment: This sequence change replaces alanine, which is neutral and non-polar, with threonine, which is neutral and polar, at codon 600 of the MEGF8 protein (p.Ala600Thr). The frequency data for this variant in the population databases is considered unreliable, as metrics indicate poor data quality at this position in the gnomAD database. This variant has not been reported in the literature in individuals affected with MEGF8-related conditions. An algorithm developed to predict the effect of missense changes on protein structure and function (PolyPhen-2) suggests that this variant is likely to be tolerated. In summary, the available evidence is currently insufficient to determine the role of this variant in disease. Therefore, it has been classified as a Variant of Uncertain Significance.

NM_001271938.2(MEGF8):c.1798G>A (p.Ala600Thr)

Gene: MEGF8 (multiple EGF like domains 8; plus strand). Cytogenetic location: 19q13.2.
Variant type: single nucleotide variant.
Coding change: c.1798G>A on transcript NM_001271938.2 (MANE Select); coding-DNA position 1798, G replaced by A.
Protein change: p.Ala600Thr; replaces alanine 600 with threonine.
Molecular consequence: missense variant.
Genome position (GRCh38, 1-based): chr19:42,344,450, G>A. VCF-style: chr19-42344450-G-A. GRCh37 (hg19) VCF-style: chr19-42848602-G-A.
Other names: c.1798G>A, p.Ala600Thr (NM_001410.3); short protein forms A600T.
Identifiers: ClinVar variation 4779200 (VCV004779200.1).